The following is an entry in ClinVar:

NM_001379081.2(FREM1):c.4796C>A (p.Thr1599Lys)

Gene: FREM1 (FRAS1 related extracellular matrix 1; minus strand). Cytogenetic location: 9p22.3.
Variant type: single nucleotide variant.
Coding change: c.4796C>A on transcript NM_001379081.2 (MANE Select); coding-DNA position 4796, C replaced by A.
Protein change: p.Thr1599Lys; replaces threonine 1599 with lysine.
Molecular consequence: missense variant. On other transcripts: non-coding transcript variant (2).
Genome position (GRCh38, 1-based): chr9:14,775,850, G>T on the plus strand (C>A on the coding strand, the complement: FREM1 is on the minus strand). VCF-style: chr9-14775850-G-T. GRCh37 (hg19) VCF-style: chr9-14775848-G-T.
Other names: c.404C>A, p.Thr135Lys (NM_001177704.3, NM_001370058.2, NM_001370061.2); c.4796C>A, p.Thr1599Lys (NM_144966.7); short protein forms T135K, T1599K.
Identifiers: ClinVar variation 3358676 (VCV003358676.1).

ClinVar aggregate classification (germline): Uncertain significance (0 of 4 stars; one submission).

Conditions:
FREM1-related disorder. Also called: FREM1-related condition; FREM1-Related Disorders.

gnomAD v4.1: 26 of 1,613,280 alleles (0.0016%); highest among the groups gnomAD compares: Admixed American, 0.005%; no homozygotes.

Submission:

PreventionGenetics, part of Exact Sciences
Classification: Uncertain significance for FREM1-related condition. Last evaluated: 2024-06-06. Review status: no assertion criteria provided. Collection method: clinical testing. Allele origin: germline.
Comment: The FREM1 c.4796C>A variant is predicted to result in the amino acid substitution p.Thr1599Lys. To our knowledge, this variant has not been reported in the literature. This variant is reported in 0.0057% of alleles in individuals of Latino descent in gnomAD. At this time, the clinical significance of this variant is uncertain due to the absence of conclusive functional and genetic evidence.